The following is an entry in ClinVar:

ClinVar aggregate classification (germline): Uncertain significance. Review status: criteria provided, multiple submitters, no conflicts (2 of 4 stars). 2 submissions from 2 submitters: Uncertain significance (2). Last evaluated 2026-06-14.

Conditions:
Hereditary cancer-predisposing syndrome. Also called: Tumor predisposition; Neoplastic Syndromes, Hereditary; Hereditary Cancer Syndrome; Hereditary neoplastic syndrome. Identifiers: Orphanet 140162, MedGen C0027672, MeSH D009386, MONDO:0015356.

Submissions (2):

Ambry Genetics
Classification: Uncertain significance for Hereditary cancer-predisposing syndrome. Last evaluated: 2026-06-14. Review status: criteria provided, single submitter. Criteria: Ambry Variant Classification Scheme 2023. Collection method: clinical testing. Allele origin: germline.
Comment: The p.M319K variant (also known as c.956T>A), located in coding exon 6 of the CTNNA1 gene, results from a T to A substitution at nucleotide position 956. The methionine at codon 319 is replaced by lysine, an amino acid with similar properties. This amino acid position is conserved. In addition, this alteration is predicted to be deleterious by in silico analysis. Based on the available evidence, the clinical significance of this variant remains unclear.

Labcorp Genetics (formerly Invitae), Labcorp
Classification: Uncertain significance. Last evaluated: 2022-09-19. Review status: criteria provided, single submitter. Criteria: Invitae Variant Classification Sherloc (09022015). Collection method: clinical testing. Allele origin: germline.
Comment: ClinVar contains an entry for this variant (Variation ID: 1482912). This variant has not been reported in the literature in individuals affected with CTNNA1-related conditions. This variant is not present in population databases (gnomAD no frequency). This sequence change replaces methionine, which is neutral and non-polar, with lysine, which is basic and polar, at codon 319 of the CTNNA1 protein (p.Met319Lys). Advanced modeling of protein sequence and biophysical properties (such as structural, functional, and spatial information, amino acid conservation, physicochemical variation, residue mobility, and thermodynamic stability) performed at Invitae indicates that this missense variant is expected to disrupt CTNNA1 protein function. In summary, the available evidence is currently insufficient to determine the role of this variant in disease. Therefore, it has been classified as a Variant of Uncertain Significance. Algorithms developed to predict the effect of sequence changes on RNA splicing suggest that this variant may create or strengthen a splice site.

NM_001903.5(CTNNA1):c.956T>A (p.Met319Lys)

Gene: CTNNA1 (catenin alpha 1; plus strand). Cytogenetic location: 5q31.2.
Variant type: single nucleotide variant.
Coding change: c.956T>A on transcript NM_001903.5 (MANE Select); coding-DNA position 956, T replaced by A.
Protein change: p.Met319Lys; replaces methionine 319 with lysine.
Molecular consequence: missense variant.
Genome position (GRCh38, 1-based): chr5:138,827,612, T>A. VCF-style: chr5-138827612-T-A. GRCh37 (hg19) VCF-style: chr5-138163301-T-A.
Other names: c.956T>A, p.Met319Lys (NM_001323986.2, NM_001290307.3, NM_001323982.2 and 3 more transcripts); c.647T>A, p.Met216Lys (NM_001290309.3); c.587T>A, p.Met196Lys (NM_001290310.3); c.956T>A (NM_001903.2); short protein forms M196K, M319K, M216K.
Identifiers: ClinVar variation 1482912 (VCV001482912.9), dbSNP rs2149785746, ClinGen allele CA361130965.